The following is an entry in ClinVar:

NM_001267550.2(TTN):c.27328G>A (p.Ala9110Thr)

Gene: TTN (titin; minus strand). Cytogenetic location: 2q31.2.
Variant type: single nucleotide variant.
Coding change: c.27328G>A on transcript NM_001267550.2 (MANE Select); coding-DNA position 27328, G replaced by A.
Protein change: p.Ala9110Thr; replaces alanine 9110 with threonine.
Molecular consequence: missense variant. On other transcripts: intron variant (3).
Genome position (GRCh38, 1-based): chr2:178,712,697, C>T on the plus strand (G>A on the coding strand, the complement: TTN is on the minus strand). VCF-style: chr2-178712697-C-T. GRCh37 (hg19) VCF-style: chr2-179577424-C-T.
Other names: c.26377G>A, p.Ala8793Thr (NM_001256850.1); c.23596G>A, p.Ala7866Thr (NM_133378.4); c.13282+25385G>A (NM_003319.4); c.13858+25385G>A (NM_133437.4); c.13657+25385G>A (NM_133432.3); short protein forms A7866T, A8793T, A9110T.
Identifiers: ClinVar variation 1469311 (VCV001469311.6), dbSNP rs2076840796, ClinGen allele CA349454411.

ClinVar aggregate classification (germline): Uncertain significance (1 of 4 stars; one submission).

Conditions:
Dilated cardiomyopathy 1G (CMD1G). Identifiers: Orphanet 154, MedGen C1858763, MONDO:0011400, OMIM 604145.
Autosomal recessive limb-girdle muscular dystrophy type 2J (LGMDR10). Also called: Limb-girdle muscular dystrophy, type 2J; MUSCULAR DYSTROPHY, LIMB-GIRDLE, AUTOSOMAL RECESSIVE 10. Identifiers: Orphanet 140922, MedGen C1837342, MONDO:0012127, OMIM 608807.

Submission:

Labcorp Genetics (formerly Invitae), Labcorp
Classification: Uncertain significance for Dilated cardiomyopathy 1G; Autosomal recessive limb-girdle muscular dystrophy type 2J. Last evaluated: 2022-10-13. Review status: criteria provided, single submitter. Criteria: Invitae Variant Classification Sherloc (09022015). Collection method: clinical testing. Allele origin: germline.
Comment: In summary, the available evidence is currently insufficient to determine the role of this variant in disease. Therefore, it has been classified as a Variant of Uncertain Significance. This variant is located in the I band of TTN (PMID: 25589632). Variants in this region may be clinically relevant, but have not been definitively shown to cause cardiomyopathy or neuromuscular disease (PMID: 27493940, 32778822). Variants that disrupt the consensus splice site are a relatively common cause of aberrant splicing (PMID: 17576681, 9536098). Algorithms developed to predict the effect of sequence changes on RNA splicing suggest that this variant may disrupt the consensus splice site. Experimental studies and prediction algorithms are not available or were not evaluated, and the functional significance of this variant is currently unknown. ClinVar contains an entry for this variant (Variation ID: 1469311). This variant has not been reported in the literature in individuals affected with TTN-related conditions. This variant is not present in population databases (gnomAD no frequency). This sequence change replaces alanine, which is neutral and non-polar, with threonine, which is neutral and polar, at codon 9110 of the TTN protein (p.Ala9110Thr). This variant also falls at the last nucleotide of exon 94, which is part of the consensus splice site for this exon.

Literature cited by the submitters: PubMed 25589632; PubMed 27493940; PubMed 32778822; PubMed 17576681; PubMed 9536098.